The following is an entry in ClinVar:

ClinVar aggregate classification (germline): Uncertain significance (1 of 4 stars; one submission).

Conditions:
Luscan-Lumish syndrome. Identifiers: Orphanet 597738, MedGen C4085873, MONDO:0014791, OMIM 616831.

Allele frequency attached by ClinVar (database versions not stated): gnomAD 0.00001; gnomAD exomes below 0.00001; TOPMed below 0.00001.
gnomAD v4.1: 7 of 1,614,052 alleles (0.00043%); highest among the groups gnomAD compares: Non-Finnish European, 0.00059%; no homozygotes.

Submission:

Labcorp Genetics (formerly Invitae), Labcorp
Classification: Uncertain significance for Luscan-lumish syndrome. Last evaluated: 2019-07-23. Review status: criteria provided, single submitter. Criteria: Invitae Variant Classification Sherloc (09022015). Collection method: clinical testing. Allele origin: germline.
Comment: This sequence change replaces isoleucine with methionine at codon 1194 of the SETD2 protein (p.Ile1194Met). The isoleucine residue is weakly conserved and there is a small physicochemical difference between isoleucine and methionine. This variant is not present in population databases (ExAC no frequency) and has not been reported in the literature in individuals with a SETD2-related disease. Algorithms developed to predict the effect of missense changes on protein structure and function (SIFT, PolyPhen-2, Align-GVGD) all suggest that this variant is likely to be tolerated, but these predictions have not been confirmed by published functional studies. In summary, this variant is a novel missense change that is not predicted to affect protein function. There is no indication that it causes disease, but the available evidence is currently insufficient to prove that conclusively. Therefore, it has been classified as a Variant of Uncertain Significance.

NM_014159.7(SETD2):c.3582A>G (p.Ile1194Met)

Gene: SETD2 (SET domain containing 2, histone lysine methyltransferase; minus strand). Cytogenetic location: 3p21.31.
Variant type: single nucleotide variant.
Coding change: c.3582A>G on transcript NM_014159.7 (MANE Select); coding-DNA position 3582, A replaced by G.
Protein change: p.Ile1194Met; replaces isoleucine 1194 with methionine.
Molecular consequence: missense variant. On other transcripts: non-coding transcript variant (1).
Genome position (GRCh38, 1-based): chr3:47,121,054, T>C on the plus strand (A>G on the coding strand, the complement: SETD2 is on the minus strand). VCF-style: chr3-47121054-T-C. GRCh37 (hg19) VCF-style: chr3-47162544-T-C.
Other names: c.3450A>G, p.Ile1150Met (NM_001349370.3); short protein forms I1194M, I1150M.
Identifiers: ClinVar variation 475515 (VCV000475515.3), dbSNP rs1211620525, ClinGen allele CA352521935.